The following is an entry in ClinVar:

NM_001035.3(RYR2):c.4265A>G (p.Gln1422Arg)

Gene: RYR2 (ryanodine receptor 2; plus strand). Cytogenetic location: 1q43.
Variant type: single nucleotide variant.
Coding change: c.4265A>G on transcript NM_001035.3 (MANE Select); coding-DNA position 4265, A replaced by G.
Protein change: p.Gln1422Arg; replaces glutamine 1422 with arginine.
Molecular consequence: missense variant.
Genome position (GRCh38, 1-based): chr1:237,591,843, A>G. VCF-style: chr1-237591843-A-G. GRCh37 (hg19) VCF-style: chr1-237755143-A-G.
Other names: short protein forms Q1422R.
Identifiers: ClinVar variation 1171245 (VCV001171245.3), dbSNP rs2148446764, ClinGen allele CA345398931.
Genomic context (GRCh38, chr1:237,591,843, plus strand): 5'-CTGCAAGACTCACCGAAGATGTCCTTGCTGATGATCGGGATGACTATGATTTCTTGATGC[A>G]AACGTCCACGGTATGAGGTTGCAGCTTTTGTCGTTTATTTCTATCTGTCACTCATTATGT-3'
Protein context (NP_001026.2, residues 1412-1432): DDRDDYDFLM[Gln1422Arg]TSTYYYSVRI

ClinVar aggregate classification (germline): Uncertain significance (1 of 4 stars; one submission).

Conditions:
Cardiomyopathy (CMYO). Also called: Cardiomyopathies. Identifiers: Orphanet 167848, MedGen C0878544, MONDO:0004994, HP:0001638. Inheritance: Various modes of inheritance.

Submission:

Color Diagnostics, LLC DBA Color Health
Classification: Uncertain significance for Cardiomyopathy. Last evaluated: 2024-03-06. Review status: criteria provided, single submitter. Criteria: ACMG Guidelines, 2015. Collection method: clinical testing. Allele origin: germline.
Comment: This missense variant replaces glutamine with arginine at codon 1422 of the RYR2 protein. Computational prediction suggests that this variant may not impact protein structure and function (internally defined REVEL score threshold <= 0.5, PMID: 27666373). To our knowledge, functional studies have not been reported for this variant. This variant has not been reported in individuals affected with cardiovascular disorders in the literature. This variant has not been identified in the general population by the Genome Aggregation Database (gnomAD). The available evidence is insufficient to determine the role of this variant in disease conclusively. Therefore, this variant is classified as a Variant of Uncertain Significance.